The following is an entry in ClinVar:

ClinVar aggregate classification (germline): Likely pathogenic. Review status: criteria provided, multiple submitters, no conflicts (2 of 4 stars). 2 submissions from 2 submitters: Likely pathogenic (2). Last evaluated 2026-03-27.

Conditions:
Oculocutaneous albinism type 1A (OCA1A). Also called: Albinism, oculocutaneous, type IA. Identifiers: Orphanet 352731, Orphanet 79431, MedGen C4551504, MONDO:0008745, OMIM 203100. Disease mechanism: loss of function.
Oculocutaneous albinism type 1B (OCA1B). Also called: ALBINISM, OCULOCUTANEOUS, TYPE IB; ALBINISM, YELLOW MUTANT TYPE; YELLOW ALBINISM. Identifiers: Orphanet 352731, Orphanet 352737, Orphanet 79434, MedGen C1847024, MONDO:0011749, OMIM 606952.
Oculocutaneous albinism. Identifiers: Orphanet 55, MedGen C0078918, MONDO:0018910.

Submissions (2):

Women's Health and Genetics/Laboratory Corporation of America, LabCorp
Classification: Likely pathogenic for Oculocutaneous albinism. Last evaluated: 2026-03-27. Review status: criteria provided, single submitter. Criteria: LabCorp Variant Classification Summary - May 2015. Collection method: clinical testing. Allele origin: germline.
Comment: Variant summary: TYR c.1193A>G (p.Glu398Gly) results in a non-conservative amino acid change in the encoded protein sequence. Algorithms developed to predict the effect of missense changes on protein structure and function all suggest that this variant is likely to be disruptive. The variant was absent in 250182 control chromosomes. c.1193A>G has been observed in the presumed compound heterozygous state in multiple individual(s) affected with clinical features of Oculocutaneous Albinism (example, Miyamura_2005, Wei_2022, Shchagina_2024, Okamura_2025, Xiao_2022), however in some without strong evidence for causality (e.g. no rule out of pseudogenic interference, clinical details and diagnostic sensitivity unclear). These data indicate that the variant is likely to be associated with disease. To our knowledge, no experimental evidence demonstrating an impact on protein function has been reported. The following publications have been ascertained in the context of this evaluation (PMID: 28640309, 25216246, 34838614, 30447237, 16098056, 39457547, 41194031, 23504663, 41292147, 35488210, 38030918, 32969595). ClinVar contains an entry for this variant (Variation ID: 4077113). Based on the evidence outlined above, the variant was classified as likely pathogenic.

Laboratory of Genetic Epidemiology, Research Centre for Medical Genetics
Classification: Likely pathogenic for Oculocutaneous albinism type 1A; Oculocutaneous albinism type 1B. Last evaluated: 2025-01-01. Review status: criteria provided, single submitter. Criteria: ACMG Guidelines, 2015. Collection method: clinical testing. Allele origin: unknown. Inheritance: Autosomal recessive inheritance. Affected: yes. Observed: 1 heterozygote.
Comment: This variant has been previously reported in the literature (PMIDs: 16098056, 34838614) and is not listed in gnomAD v3.1.2. The affected amino acid position is evolutionarily conserved and located in close proximity to the highly conservative residues that is important for maintaining a three -dimensional structure (Phe397 and Trp400) (PMID: 12028580). Multiple in silico prediction tools support a deleterious effect. The affected amino acid position is evolutionarily conserved, and multiple in silico prediction tools support a deleterious effect. Taken together, the variant meets the following ACMG/AMP criteria and can be classified as likely pathogenic with PM2, PP3, PM1, PM3, PP4 criteria.

Literature cited by the submitters: PubMed 34838614 (cited by Women's Health and Genetics/Laboratory Corporation of America, LabCorp); PubMed 23504663 (cited by Women's Health and Genetics/Laboratory Corporation of America, LabCorp); PubMed 25216246 (cited by Women's Health and Genetics/Laboratory Corporation of America, LabCorp); PubMed 32969595 (cited by Women's Health and Genetics/Laboratory Corporation of America, LabCorp); PubMed 35488210 (cited by Women's Health and Genetics/Laboratory Corporation of America, LabCorp); PubMed 16098056 (cited by Women's Health and Genetics/Laboratory Corporation of America, LabCorp); PubMed 38030918 (cited by Women's Health and Genetics/Laboratory Corporation of America, LabCorp); PubMed 39457547 (cited by Women's Health and Genetics/Laboratory Corporation of America, LabCorp); PubMed 28640309 (cited by Women's Health and Genetics/Laboratory Corporation of America, LabCorp); PubMed 41194031 (cited by Women's Health and Genetics/Laboratory Corporation of America, LabCorp); PubMed 30447237 (cited by Women's Health and Genetics/Laboratory Corporation of America, LabCorp); PubMed 41292147 (cited by Women's Health and Genetics/Laboratory Corporation of America, LabCorp); PubMed 41428507 (cited by Laboratory of Genetic Epidemiology, Research Centre for Medical Genetics).

NM_000372.5(TYR):c.1193A>G (p.Glu398Gly)

Gene: TYR (tyrosinase; plus strand). Cytogenetic location: 11q14.3.
Variant type: single nucleotide variant.
Coding change: c.1193A>G on transcript NM_000372.5 (MANE Select); coding-DNA position 1193, A replaced by G.
Protein change: p.Glu398Gly; replaces glutamic acid 398 with glycine.
Molecular consequence: missense variant.
Genome position (GRCh38, 1-based): chr11:89,284,781, A>G. VCF-style: chr11-89284781-A-G. GRCh37 (hg19) VCF-style: chr11-89017949-A-G.
Other names: short protein forms E398G.
Identifiers: ClinVar variation 4077113 (VCV004077113.2).
Genomic context (GRCh38, chr11:89,284,781, plus strand): 5'-TTTCTTTTATACACAATATGTTTCTTAGTCTGAATAACCTTTTCCTCTGCAGTATTTTTG[A>G]GCAGTGGCTCCGAAGGCACCGTCCTCTTCAAGAAGTTTATCCAGAAGCCAATGCACCCAT-3'
Protein context (NP_000363.1, residues 388-408): LHHAFVDSIF[Glu398Gly]QWLRRHRPLQ